The following is an entry in ClinVar:

ClinVar aggregate classification (germline): Uncertain significance. Review status: criteria provided, multiple submitters, no conflicts (2 of 4 stars). 2 submissions from 2 submitters: Uncertain significance (2). Last evaluated 2024-10-25.

Conditions:
TTC21B-related disorder. Also called: TTC21B-related disorders; TTC21B-related condition.
Inborn genetic diseases. Identifiers: MedGen C0950123, MeSH D030342.

Allele frequency attached by ClinVar (database versions not stated): gnomAD 0.00001; gnomAD exomes 0.00001; ExAC 0.00004; 1000 Genomes Project 30x 0.00016; 1000 Genomes Project 0.00020.

Submissions (2):

PreventionGenetics, part of Exact Sciences
Classification: Uncertain significance for TTC21B-related condition. Last evaluated: 2024-10-25. Review status: criteria provided, single submitter. Criteria: ACMG Guidelines, 2015. Collection method: clinical testing. Allele origin: germline.
Comment: The TTC21B c.895T>C variant is predicted to result in the amino acid substitution p.Cys299Arg. This variant was reported with another missense variant in an individual with nephronophthisis (Supplementary Material, Sun et al. 2018. PubMed ID: 30076350). This variant is reported in 0.046% of alleles in individuals of East Asian descent in gnomAD. At this time, the clinical significance of this variant is uncertain due to the absence of conclusive functional and genetic evidence.

Ambry Genetics
Classification: Uncertain significance for Inborn genetic diseases. Last evaluated: 2024-03-05. Review status: criteria provided, single submitter. Criteria: Ambry Variant Classification Scheme 2023. Collection method: clinical testing. Allele origin: germline.
Comment: Occurs in the first base pair of the exon Based on insufficient or conflicting evidence, the clinical significance of this alteration remains unclear.

Literature cited by the submitters: PubMed 30076350 (cited by Ambry Genetics).

NM_024753.5(TTC21B):c.895T>C (p.Cys299Arg)

Gene: TTC21B (tetratricopeptide repeat domain 21B; minus strand). Cytogenetic location: 2q24.3.
Variant type: single nucleotide variant.
Coding change: c.895T>C on transcript NM_024753.5 (MANE Select); coding-DNA position 895, T replaced by C.
Protein change: p.Cys299Arg; replaces cysteine 299 with arginine.
Molecular consequence: missense variant.
Genome position (GRCh38, 1-based): chr2:165,930,364, A>G on the plus strand (T>C on the coding strand, the complement: TTC21B is on the minus strand). VCF-style: chr2-165930364-A-G. GRCh37 (hg19) VCF-style: chr2-166786874-A-G.
Other names: c.895T>C (NM_024753.4); short protein forms C299R.
Identifiers: ClinVar variation 3184171 (VCV003184171.2), dbSNP rs576670798, ClinGen allele CA1942287.